The following is an entry in ClinVar:

NM_007294.4(BRCA1):c.1862A>C (p.His621Pro)

Gene: BRCA1 (BRCA1 DNA repair associated; minus strand). Cytogenetic location: 17q21.31.
Variant type: single nucleotide variant.
Coding change: c.1862A>C on transcript NM_007294.4 (MANE Select); coding-DNA position 1862, A replaced by C.
Protein change: p.His621Pro; replaces histidine 621 with proline.
Molecular consequence: missense variant. On other transcripts: intron variant (137).
Genome position (GRCh38, 1-based): chr17:43,093,669, T>G on the plus strand (A>C on the coding strand, the complement: BRCA1 is on the minus strand). VCF-style: chr17-43093669-T-G. GRCh37 (hg19) VCF-style: chr17-41245686-T-G.
Other names: c.1649A>C, p.His550Pro (NM_001407571.1, NM_001407853.1, NM_001407894.1 and 9 more transcripts); c.1862A>C, p.His621Pro (NM_001407581.1, NM_001407582.1, NM_001407583.1 and 30 more transcripts); c.1859A>C, p.His620Pro (NM_001407587.1, NM_001407590.1, NM_001407591.1 and 22 more transcripts); c.1853A>C, p.His618Pro (NM_001407646.1, NM_001407647.1); c.1739A>C, p.His580Pro (NM_001407648.1, NM_001407664.1, NM_001407665.1 and 19 more transcripts); c.1736A>C, p.His579Pro (NM_001407649.1, NM_001407670.1, NM_001407671.1 and 11 more transcripts); c.1784A>C, p.His595Pro (NM_001407653.1, NM_001407654.1, NM_001407655.1 and 4 more transcripts); c.1781A>C, p.His594Pro (NM_001407659.1, NM_001407660.1, NM_001407661.1 and 1 more transcripts); and 40 more; short protein forms H621P, H574P, H510P, H550P, H595P, H618P, H325P, H453P.
Identifiers: ClinVar variation 1380800 (VCV001380800.9), dbSNP rs2053871006, ClinGen allele CA10598295.

ClinVar aggregate classification (germline): Conflicting classifications of pathogenicity. Review status: criteria provided, conflicting classifications (1 of 4 stars). 2 submissions from 2 submitters: Uncertain significance (1); Likely benign (1). Last evaluated 2023-03-23.

Conditions:
Hereditary cancer-predisposing syndrome. Also called: Tumor predisposition; Neoplastic Syndromes, Hereditary; Hereditary Cancer Syndrome; Hereditary neoplastic syndrome. Identifiers: Orphanet 140162, MedGen C0027672, MeSH D009386, MONDO:0015356.
Hereditary breast ovarian cancer syndrome. Also called: Hereditary breast and ovarian cancer syndrome (HBOC); Breast and ovarian cancer; BRCA1- and BRCA2-Associated Hereditary Breast and Ovarian Cancer; Hereditary breast and ovarian cancer; Hereditary breast and ovarian cancer syndrome; Hereditary breast and/or ovarian cancer syndrome. Identifiers: Orphanet 145, MedGen C0677776, MeSH D061325, MONDO:0003582. Disease mechanism: loss of function.

Submissions (2):

University of Washington Department of Laboratory Medicine, University of Washington
Classification: Likely benign for Hereditary cancer-predisposing syndrome. Last evaluated: 2023-03-23. Review status: criteria provided, single submitter. Criteria: Dines et al. (Genet Med. 2020). Collection method: curation. Allele origin: germline.
Comment: Missense variant in a coldspot region where missense variants are very unlikely to be pathogenic (PMID:31911673).

BRCA1 coldspot (exon 11 using historical exon numbering). Reclassification based on statistical prior probability

Labcorp Genetics (formerly Invitae), Labcorp
Classification: Uncertain significance for Hereditary breast ovarian cancer syndrome. Last evaluated: 2021-09-12. Review status: criteria provided, single submitter. Criteria: Invitae Variant Classification Sherloc (09022015). Collection method: clinical testing. Allele origin: germline.
Comment: This sequence change replaces histidine with proline at codon 621 of the BRCA1 protein (p.His621Pro). The histidine residue is weakly conserved and there is a moderate physicochemical difference between histidine and proline. This variant is not present in population databases (ExAC no frequency). This variant has not been reported in the literature in individuals affected with BRCA1-related conditions. Advanced modeling of protein sequence and biophysical properties (such as structural, functional, and spatial information, amino acid conservation, physicochemical variation, residue mobility, and thermodynamic stability) performed at Invitae indicates that this missense variant is not expected to disrupt BRCA1 protein function. In summary, the available evidence is currently insufficient to determine the role of this variant in disease. Therefore, it has been classified as a Variant of Uncertain Significance.